The following continues an entry in ClinVar:

NM_001042492.3(NF1):c.7909C>T (p.Arg2637Ter)

Gene: NF1. ClinVar aggregate classification (germline): Pathogenic/Likely pathogenic. Pathogenic (27); Likely pathogenic (1). ClinVar aggregate classification (oncogenicity): Oncogenic.

Submissions 13 to 31 of 31:

Women's Health and Genetics/Laboratory Corporation of America, LabCorp
Classification: Pathogenic for Neurofibromatosis, type 1. Last evaluated: 2023-01-03. Review status: criteria provided, single submitter. Criteria: LabCorp Variant Classification Summary - May 2015. Collection method: clinical testing. Allele origin: germline.
Comment: Variant summary: NF1 c.7846C>T (p.Arg2616X) results in a premature termination codon, predicted to cause a truncation of the encoded protein or absence of the protein due to nonsense mediated decay, which are commonly known mechanisms for disease. At least one truncation downstream of this position has been classified as pathogenic by our laboratory. The variant was absent in 251314 control chromosomes (gnomAD). c.7846C>T has been reported in the literature in multiple individuals affected with Neurofibromatosis Type 1 (e.g. Upadhyaya_1995, De Luca_2004, Sabbagh_2013, Zhu_2019). These data indicate that the variant is very likely to be associated with disease. Fifteen submitters have provided clinical-significance assessments for this variant to ClinVar after 2014 and all classified the variant as pathogenic. Based on the evidence outlined above, the variant was classified as pathogenic.

Johns Hopkins Genomics, Johns Hopkins University
Classification: Pathogenic for Neurofibromatosis, type 1. Last evaluated: 2022-09-22. Review status: criteria provided, single submitter. Criteria: ACMG Guidelines, 2015. Collection method: clinical testing. Allele origin: germline.
Comment: c.7909C>T in NF1 has been reported in multiple unrelated individuals with Neurofibromatosis type 1 including as a de novo occurrence. It has also been reported in a parent and child with Neurofibromatosis-Noonan syndrome. The variant (rs786201367) is absent from a large population dataset and has been reported in ClinVar (Variation ID 184261). This nonsense variant results in a premature stop codon in exon 54 of 58, likely leading to nonsense-mediated decay and lack of protein production. We consider c.7909C>T in NF1 to be pathogenic.

Genome-Nilou Lab
Classification: Pathogenic for Neurofibromatosis, type 1. Last evaluated: 2022-03-15. Review status: criteria provided, single submitter. Criteria: ACMG Guidelines, 2015. Collection method: clinical testing. Allele origin: germline. Affected: no.

GeneDx
Classification: Pathogenic. Last evaluated: 2021-11-18. Review status: criteria provided, single submitter. Criteria: GeneDx Variant Classification Process June 2021. Collection method: clinical testing. Allele origin: germline. Affected: yes.
Comment: Nonsense variant predicted to result in protein truncation or nonsense mediated decay in a gene for which loss-of-function is a known mechanism of disease; This variant is associated with the following publications: (PMID: 25525159, 25074460, 10543400, 29872864, 31551924, 26758488, 26962827, 8544190, 10712197, 15146469, 27838393, 25326637, 29158289, 28152038, 16773574, 16544997, 30530636, 12522551, 31776437, 30612635, 31730495, 31533797)

CeGaT Center for Human Genetics Tuebingen
Classification: Pathogenic. Last evaluated: 2021-09-01. Review status: criteria provided, single submitter. Criteria: CeGaT Center For Human Genetics Tuebingen Variant Classification Criteria Version 2. Collection method: clinical testing. Allele origin: germline. Affected: yes. Observed: 1 variant allele.

Greenwood Genetic Center Diagnostic Laboratories, Greenwood Genetic Center
Classification: Pathogenic for Neurofibromatosis, type 1. Last evaluated: 2021-07-21. Review status: criteria provided, single submitter. Criteria: ACMG Guidelines, 2015. Collection method: clinical testing. Allele origin: germline. Affected: yes.
Comment: PVS1, PS4, PM2

MGZ Medical Genetics Center
Classification: Pathogenic for Neurofibromatosis, type 1. Last evaluated: 2021-07-06. Review status: criteria provided, single submitter. Criteria: ACMG Guidelines, 2015. Collection method: clinical testing. Allele origin: germline. Affected: yes. Observed: 1 variant allele.
Comment: ACMG criteria applied: PVS1, PM2_SUP, PP3

Genome Diagnostics Laboratory, The Hospital for Sick Children
Classification: Pathogenic for Neurofibromatosis, type 1. Last evaluated: 2020-10-26. Review status: criteria provided, single submitter. Criteria: ACMG Guidelines, 2015. Collection method: clinical testing. Allele origin: germline. Affected: yes.

Ambry Genetics
Classification: Pathogenic for Hereditary cancer-predisposing syndrome. Last evaluated: 2020-08-04. Review status: criteria provided, single submitter. Criteria: Ambry Autosomal Dominant and X-Linked criteria (7/2020). Collection method: clinical testing. Allele origin: germline. Observed: 1 variant allele.
Comment: The p.R2637* pathogenic mutation (also known as c.7909C>T), located in coding exon 54 of the NF1 gene, results from a C to T substitution at nucleotide position 7909. This changes the amino acid from an arginine to a stop codon within coding exon 54. This pathogenic mutation has been described in an individual who presented with classic cutaneous involvement and plexiform neurofibromas (Upadhyaya M et al. J. Med. Genet. 1995; 32:706-10). In addition, this alteration was also found in an affected patient presenting with Cafe-au-Lait spots, axillary freckling, nodular neurofibromas, lisch nodules and scoliosis (De Luca A et al. Hum. Mutat. 2004; 23:629). In addition to the clinical data presented in the literature, since premature stop codons are typically deleterious in nature, this alteration is interpreted as a disease-causing mutation (ACMG Recommendations for Standards for Interpretation and Reporting of Sequence Variations. Revision 2007. Genet Med. 2008;10:294). This mutation is also known as p.R2616* and c.7846C>T in the literature.

Medical Genetics, University of Parma
Classification: Pathogenic for Neurofibromatosis, type 1. Last evaluated: 2019-12-20. Review status: criteria provided, single submitter. Criteria: ACMG Guidelines, 2015. Collection method: clinical testing. Allele origin: germline. Affected: yes.

The Laboratory of Genetics and Metabolism, Hunan Children’s Hospital
Classification: Pathogenic for Neurofibromatosis, type 1; Tibial pseudoarthrosis. Last evaluated: 2018-11-10. Review status: criteria provided, single submitter. Criteria: ACMG Guidelines, 2015. Collection method: research. Allele origin: paternal. Affected: yes. Observed: 1 variant allele.

Illumina Laboratory Services, Illumina
Classification: Pathogenic for Neurofibromatosis, type 1. Last evaluated: 2018-09-06. Review status: criteria provided, single submitter. Criteria: ICSL Variant Classification Criteria 09 May 2019. Collection method: clinical testing. Allele origin: germline.
Comment: The NF1 c.7846C>T (p.Arg2616Ter) variant is a stop-gained variant that is predicted to result in a premature termination of the protein. The p.Arg2616Ter variant has been reported in at least nine studies and is found in at least 25 probands in a heterozygous state (Upadhyaya et al. 1995; Osborn et al. 1999; Fahsold et al. 2000; Wang et al. 2003; De Luca et al. 2004; Shirinzi et al. 2006; Stevenson et al. 2006; Messiaen and Wimmer 2008; Vuralli et al. 2016). Two probands were related and had clinical features of NF1 and neurofibromatosis-Noonan syndrome. The p.Arg2616Ter variant was absent from 152 controls (De Luca et al. 2004; Shirinzi et al. 2006) and is not found in the 1000 Genomes Project, the Exome Sequencing Project, the Exome Aggregation Consortium, or Genome Aggregation Database. Due to the potential impact of stop-gained variants and the evidence in the literature, the p.Arg2616Ter variant is classified as pathogenic for NF1-related disorders. This variant was observed by ICSL as part of a predisposition screen in an ostensibly healthy population.

Fulgent Genetics
Classification: Pathogenic for Neurofibromatosis, type 1; Neurofibromatosis, familial spinal; Café-au-lait macules with pulmonary stenosis; Neurofibromatosis-Noonan syndrome; Juvenile myelomonocytic leukemia. Last evaluated: 2017-05-18. Review status: criteria provided, single submitter. Criteria: ACMG Guidelines, 2015. Collection method: clinical testing. Allele origin: unknown.

Center for Human Genetics, Inc
Classification: Pathogenic for Neurofibromatosis, type 1. Last evaluated: 2016-11-01. Review status: criteria provided, single submitter. Criteria: ACMG Guidelines, 2015. Collection method: clinical testing. Allele origin: germline. Affected: yes.

UCLA Clinical Genomics Center, UCLA
Classification: Likely pathogenic for Neurofibromatosis, type 1. Last evaluated: 2013-04-30. Review status: criteria provided, single submitter. Criteria: Lee et al. (JAMA. 2014). Collection method: clinical testing. Allele origin: unknown. Inheritance: Autosomal dominant inheritance. Affected: yes. Study: CES.

Clinical Genetics Service, Universitary Hospital 12 de Octubre
Classification: Pathogenic for Neurofibromatosis, type 1. Review status: criteria provided, single submitter. Criteria: ACMG Guidelines, 2015. Collection method: clinical testing. Allele origin: de novo. Affected: yes.

Juno Genomics, Hangzhou Juno Genomics, Inc
Classification: Pathogenic for Neurofibromatosis, type 1. Review status: criteria provided, single submitter. Criteria: ACMG Guidelines, 2015. Collection method: clinical testing. Allele origin: germline. Affected: yes.
Comment: Absent from controls (or at extremely low frequency if recessive) in Genome Aggregation Database, Exome Sequencing Project, 1000 Genomes Project, or Exome Aggregation Consortium.;Null variant in a gene where loss of function (LOF) is a known mechanism of disease.;The prevalence of the variant in affected individuals is significantly increased compared to the prevalence in controls.;Patient's phenotype or family history is highly specific for a disease with a single genetic etiology.

Clinical Laboratory Sciences Program (CLSP), King Saud bin Abdulaziz University for Health Sciences (KSAU-HS)
Classification: Pathogenic for Neurofibromatosis, type 1. Last evaluated: 2023-04-01. Review status: no assertion criteria provided. Collection method: clinical testing. Allele origin: germline. Affected: yes. Not counted in ClinVar's aggregate classification.

Clinical Molecular Genetics Laboratory, Johns Hopkins All Children's Hospital
Classification: Pathogenic for Neurofibromatosis, type 1. Last evaluated: 2015-08-28. Review status: no assertion criteria provided. Collection method: clinical testing. Allele origin: germline. Affected: yes. Not counted in ClinVar's aggregate classification.

Literature cited by the submitters: PubMed 10712197 (cited by 4 submitters); PubMed 23913538 (cited by Labcorp Genetics (formerly Invitae), Labcorp and Women's Health and Genetics/Laboratory Corporation of America, LabCorp); PubMed 8544190 (cited by 8 submitters); PubMed 15146469 (cited by 6 submitters); PubMed 25074460 (cited by Labcorp Genetics (formerly Invitae), Labcorp and Johns Hopkins Genomics, Johns Hopkins University); PubMed 25326637 (cited by Labcorp Genetics (formerly Invitae), Labcorp); PubMed 27838393 (cited by Labcorp Genetics (formerly Invitae), Labcorp and Johns Hopkins Genomics, Johns Hopkins University); PubMed 26758488 (cited by 4 submitters); PubMed 34427956 (cited by Division of Genetic & Genomic Pathology, Hong Kong Children's Hospital); PubMed 36612057 (cited by Division of Genetic & Genomic Pathology, Hong Kong Children's Hospital); PubMed 29158289 (cited by Quest Diagnostics Nichols Institute San Juan Capistrano); PubMed 26962827 (cited by Quest Diagnostics Nichols Institute San Juan Capistrano); PubMed 33471991 (cited by Quest Diagnostics Nichols Institute San Juan Capistrano); PubMed 10678181 (cited by Women's Health and Genetics/Laboratory Corporation of America, LabCorp); PubMed 23460398 (cited by Women's Health and Genetics/Laboratory Corporation of America, LabCorp); PubMed 29872168 (cited by Women's Health and Genetics/Laboratory Corporation of America, LabCorp); PubMed 31533797 (cited by Women's Health and Genetics/Laboratory Corporation of America, LabCorp and The Laboratory of Genetics and Metabolism, Hunan Children’s Hospital); PubMed 27069254 (cited by Women's Health and Genetics/Laboratory Corporation of America, LabCorp); PubMed 16544997 (cited by Johns Hopkins Genomics, Johns Hopkins University and Illumina Laboratory Services, Illumina); PubMed 30308447 (cited by Johns Hopkins Genomics, Johns Hopkins University); PubMed 34418705 (cited by Johns Hopkins Genomics, Johns Hopkins University); PubMed 16773574 (cited by Illumina Laboratory Services, Illumina); PubMed 12522551 (cited by Illumina Laboratory Services, Illumina); PubMed 10543400 (cited by Illumina Laboratory Services, Illumina).